The following is an entry in ClinVar:

ClinVar aggregate classification (germline): Uncertain significance. Review status: criteria provided, multiple submitters, no conflicts (2 of 4 stars). 2 submissions from 2 submitters: Uncertain significance (2). Last evaluated 2023-04-19.

Conditions:
Inborn genetic diseases. Identifiers: MedGen C0950123, MeSH D030342.
Neuronal ceroid lipofuscinosis. Also called: Neuronal Ceroid Lipofuscinoses. Identifiers: Orphanet 216, Orphanet 79263, MedGen C0027877, MONDO:0016295. Disease mechanism: loss of function.

Allele frequency attached by ClinVar (database versions not stated): gnomAD exomes below 0.00001; ExAC 0.00001; gnomAD 0.00001 and 0.00002; TOPMed 0.00001.
gnomAD v4.1: 7 of 1,613,424 alleles (0.00043%); highest among the groups gnomAD compares: East Asian, 0.0045%; no homozygotes.

Submissions (2):

Ambry Genetics
Classification: Uncertain significance for Inborn genetic diseases. Last evaluated: 2023-04-19. Review status: criteria provided, single submitter. Criteria: Ambry Variant Classification Scheme 2023. Collection method: clinical testing. Allele origin: germline.

Labcorp Genetics (formerly Invitae), Labcorp
Classification: Uncertain significance for Neuronal ceroid lipofuscinosis. Last evaluated: 2021-09-05. Review status: criteria provided, single submitter. Criteria: Invitae Variant Classification Sherloc (09022015). Collection method: clinical testing. Allele origin: germline.
Comment: This sequence change replaces threonine with methionine at codon 87 of the CTSD protein (p.Thr87Met). The threonine residue is highly conserved and there is a moderate physicochemical difference between threonine and methionine. This variant is present in population databases (rs770248571, ExAC 0.01%). This variant has not been reported in the literature in individuals affected with CTSD-related conditions. Algorithms developed to predict the effect of missense changes on protein structure and function are either unavailable or do not agree on the potential impact of this missense change (SIFT: "Deleterious"; PolyPhen-2: "Probably Damaging"; Align-GVGD: "Class C0"). In summary, the available evidence is currently insufficient to determine the role of this variant in disease. Therefore, it has been classified as a Variant of Uncertain Significance.

NM_001909.5(CTSD):c.260C>T (p.Thr87Met)

Gene: CTSD (cathepsin D; minus strand). Cytogenetic location: 11p15.5.
Variant type: single nucleotide variant.
Coding change: c.260C>T on transcript NM_001909.5 (MANE Select); coding-DNA position 260, C replaced by T.
Protein change: p.Thr87Met; replaces threonine 87 with methionine.
Molecular consequence: missense variant.
Genome position (GRCh38, 1-based): chr11:1,759,608, G>A on the plus strand (C>T on the coding strand, the complement: CTSD is on the minus strand). VCF-style: chr11-1759608-G-A. GRCh37 (hg19) VCF-style: chr11-1780838-G-A.
Other names: c.260C>T (NM_001909.4); short protein forms T87M.
Identifiers: ClinVar variation 1353716 (VCV001353716.4), dbSNP rs770248571, ClinGen allele CA5814244.